The following is an entry in ClinVar:

ClinVar aggregate classification (germline): Uncertain significance (1 of 4 stars; one submission).

Submission:

GeneDx
Classification: Uncertain significance. Last evaluated: 2026-03-09. Review status: criteria provided, single submitter. Criteria: GeneDx Variant Classification Process June 2021. Collection method: clinical testing. Allele origin: germline.
Comment: Not observed at significant frequency in large population cohorts (gnomAD); In silico analysis suggests that this missense variant does not alter protein structure/function; Has not been previously published as pathogenic or benign to our knowledge

NM_022455.5(NSD1):c.7347A>T (p.Lys2449Asn)

Gene: NSD1 (nuclear receptor binding SET domain protein 1; plus strand). Cytogenetic location: 5q35.3.
Variant type: single nucleotide variant.
Coding change: c.7347A>T on transcript NM_022455.5 (MANE Select); coding-DNA position 7347, A replaced by T.
Protein change: p.Lys2449Asn; replaces lysine 2449 with asparagine.
Molecular consequence: missense variant.
Genome position (GRCh38, 1-based): chr5:177,294,715, A>T. VCF-style: chr5-177294715-A-T. GRCh37 (hg19) VCF-style: chr5-176721716-A-T.
Other names: c.6474A>T, p.Lys2158Asn (NM_001365684.2, NM_001409308.1, NM_172349.5); c.7347A>T, p.Lys2449Asn (NM_001409301.1, NM_001409302.1, NM_001409303.1); c.6927A>T, p.Lys2309Asn (NM_001409304.1); c.6594A>T, p.Lys2198Asn (NM_001409305.1); c.6585A>T, p.Lys2195Asn (NM_001409306.1, NM_001409307.1); c.6225A>T, p.Lys2075Asn (NM_001409309.1); short protein forms K2309N, K2075N, K2158N, K2195N, K2198N, K2449N.
Identifiers: ClinVar variation 5008928 (VCV005008928.1).